The following is an entry in ClinVar:

ClinVar aggregate classification (germline): Uncertain significance. Review status: criteria provided, multiple submitters, no conflicts (2 of 4 stars). 2 submissions from 2 submitters: Uncertain significance (2). Last evaluated 2025-11-23.

Conditions:
Inborn genetic diseases. Identifiers: MedGen C0950123, MeSH D030342.

Allele frequency attached by ClinVar (database versions not stated): gnomAD exomes 0.00004; TOPMed 0.00004; gnomAD 0.00006.

Submissions (2):

Labcorp Genetics (formerly Invitae), Labcorp
Classification: Uncertain significance. Last evaluated: 2025-11-23. Review status: criteria provided, single submitter. Criteria: Invitae Variant Classification Sherloc (09022015). Collection method: clinical testing. Allele origin: germline.
Comment: This sequence change replaces glycine, which is neutral and non-polar, with alanine, which is neutral and non-polar, at codon 62 of the DGAT1 protein (p.Gly62Ala). This variant is present in population databases (no rsID available, gnomAD 0.007%). This variant has not been reported in the literature in individuals affected with DGAT1-related conditions. ClinVar contains an entry for this variant (Variation ID: 1410309). Invitae Evidence Modeling of protein sequence and biophysical properties (such as structural, functional, and spatial information, amino acid conservation, physicochemical variation, residue mobility, and thermodynamic stability) indicates that this missense variant is not expected to disrupt DGAT1 protein function with a negative predictive value of 80%. In summary, the available evidence is currently insufficient to determine the role of this variant in disease. Therefore, it has been classified as a Variant of Uncertain Significance.

Ambry Genetics
Classification: Uncertain significance for Inborn genetic diseases. Last evaluated: 2025-01-18. Review status: criteria provided, single submitter. Criteria: Ambry Variant Classification Scheme 2023. Collection method: clinical testing. Allele origin: germline.

NM_012079.6(DGAT1):c.185G>C (p.Gly62Ala)

Gene: DGAT1 (diacylglycerol O-acyltransferase 1; minus strand). Cytogenetic location: 8q24.3.
Variant type: single nucleotide variant.
Coding change: c.185G>C on transcript NM_012079.6 (MANE Select); coding-DNA position 185, G replaced by C.
Protein change: p.Gly62Ala; replaces glycine 62 with alanine.
Molecular consequence: missense variant.
Genome position (GRCh38, 1-based): chr8:144,326,452, C>G on the plus strand (G>C on the coding strand, the complement: DGAT1 is on the minus strand). VCF-style: chr8-144326452-C-G. GRCh37 (hg19) VCF-style: chr8-145550115-C-G.
Other names: c.185G>C (NM_012079.4); short protein forms G62A.
Identifiers: ClinVar variation 1410309 (VCV001410309.7), dbSNP rs900239238, ClinGen allele CA187671656.
Genomic context (GRCh38, chr8:144,326,452, plus strand): 5'-GCGGGGCCCTTGGGTCAGAGGTTAGGGGGTCAGGCGCTCCGCTACCTCAGCTCCCAGTGG[C>G]CGCTGCCCACGCCGGCGTCTCCGTCCTTGTTGGGGGCCGGGGCTGGCGCGTCCCCCGCGG-3'
Protein context (NP_036211.2, residues 52-72): NKDGDAGVGS[Gly62Ala]HWELRCHRLQ